The following is an entry in ClinVar:

NM_001277115.2(DNAH11):c.125AGG[2] (p.Glu44del)

Gene: DNAH11 (dynein axonemal heavy chain 11; plus strand). Cytogenetic location: 7p15.3.
Variant type: Microsatellite.
Coding change: c.125AGG[2] on transcript NM_001277115.2 (MANE Select); two copies in a row of the 3-base unit AGG starting at c.125; the reference has three copies in a row; one copy, 3 bases deleted.
Protein change: p.Glu44del; deletes glutamic acid 44.
Molecular consequence: inframe deletion.
Genome position (GRCh38, 1-based): chr7:21,543,376-21,543,378, AGG deleted; deleting any 3 consecutive bases within chr7:21,543,369-21,543,378 gives the same sequence; the position shown is the placement nearest the transcript's 3' end. VCF-style (leftmost placement, unchanged base first): chr7-21543368-CGAG-C. GRCh37 (hg19) VCF-style: chr7-21582986-CGAG-C.
Other names: short protein forms E44del.
Identifiers: ClinVar variation 850095 (VCV000850095.1), dbSNP rs1782659889, ClinGen allele CA916082915.

ClinVar aggregate classification (germline): Uncertain significance (1 of 4 stars; one submission).

Conditions:
Primary ciliary dyskinesia. Also called: Ciliary dyskinesia. Identifiers: Orphanet 244, MedGen C0008780, MONDO:0016575, HP:0012265.

Submission:

Labcorp Genetics (formerly Invitae), Labcorp
Classification: Uncertain significance for Primary ciliary dyskinesia. Last evaluated: 2019-03-19. Review status: criteria provided, single submitter. Criteria: Invitae Variant Classification Sherloc (09022015). Collection method: clinical testing. Allele origin: germline.
Comment: This variant, c.131_133del, results in the deletion of 1 amino acid(s) of the DNAH11 protein (p.Glu44del), but otherwise preserves the integrity of the reading frame. This variant is not present in population databases (ExAC no frequency). This variant has not been reported in the literature in individuals with DNAH11-related conditions. Experimental studies and prediction algorithms are not available for this variant, and the functional significance of the affected amino acid(s) is currently unknown. In summary, the available evidence is currently insufficient to determine the role of this variant in disease. Therefore, it has been classified as a Variant of Uncertain Significance.